The following is an entry in ClinVar:

ClinVar aggregate classification (germline): Uncertain significance (1 of 4 stars; one submission).

Conditions:
Catecholaminergic polymorphic ventricular tachycardia 1. Also called: VENTRICULAR TACHYCARDIA, CATECHOLAMINERGIC POLYMORPHIC, 1, WITH OR WITHOUT ATRIAL DYSFUNCTION AND/OR DILATED CARDIOMYOPATHY; RYR2-Related Catecholaminergic Polymorphic Ventricular Tachycardia; VENTRICULAR TACHYCARDIA, STRESS-INDUCED POLYMORPHIC 1. Identifiers: Orphanet 3286, MedGen C1631597, MONDO:0011484, OMIM 604772.

Submission:

Labcorp Genetics (formerly Invitae), Labcorp
Classification: Uncertain significance for Catecholaminergic polymorphic ventricular tachycardia 1. Last evaluated: 2022-09-20. Review status: criteria provided, single submitter. Criteria: Invitae Variant Classification Sherloc (09022015). Collection method: clinical testing. Allele origin: germline.
Comment: In summary, the available evidence is currently insufficient to determine the role of this variant in disease. Therefore, it has been classified as a Variant of Uncertain Significance. Algorithms developed to predict the effect of sequence changes on RNA splicing suggest that this variant may disrupt the consensus splice site. This sequence change creates a premature translational stop signal (p.Leu3986Phefs*5) in the RYR2 gene. It is expected to result in an absent or disrupted protein product. However, the current clinical and genetic evidence is not sufficient to establish whether loss-of-function variants in RYR2 cause disease. This variant is not present in population databases (gnomAD no frequency). This variant has not been reported in the literature in individuals affected with RYR2-related conditions.

NM_001035.3(RYR2):c.11954_11957dup (p.Leu3986fs)

Gene: RYR2 (ryanodine receptor 2; plus strand). Cytogenetic location: 1q43.
Variant type: Duplication.
Coding change: c.11954_11957dup on transcript NM_001035.3 (MANE Select); coding-DNA positions 11954 to 11957, 4 bases duplicated (TGTT; older notation c.11954_11957dupTGTT).
Protein change: p.Leu3986fs; shifts the reading frame from leucine 3986.
Molecular consequence: frameshift variant.
Genome position (GRCh38, 1-based): chr1:237,781,638-237,781,641, TGTT duplicated. VCF-style (leftmost placement, unchanged base first): chr1-237781637-A-ATGTT. GRCh37 (hg19) VCF-style: chr1-237944937-A-ATGTT.
Other names: short protein forms L3986fs.
Identifiers: ClinVar variation 2025658 (VCV002025658.4), dbSNP rs2527741321, ClinGen allele CA2580062425.